The following is an entry in ClinVar:

ClinVar aggregate classification (germline): Benign/Likely benign. Review status: criteria provided, multiple submitters, no conflicts (2 of 4 stars). 6 submissions from 6 submitters: Benign (3); Likely benign (1). 2 of the submissions do not count toward it. Last evaluated 2025-10-26.

Conditions:
Familial sleep-related hypermotor epilepsy. Also called: Autosomal Dominant Sleep-Related Hypermotor (Hyperkinetic) Epilepsy. Identifiers: Orphanet 98784, MedGen C3696898, MONDO:0000030.

Allele frequency attached by ClinVar (database versions not stated): gnomAD 0.00004 and 0.00038; TOPMed 0.00011; gnomAD exomes 0.00039 and 0.00090; ExAC 0.00095; 1000 Genomes Project 30x 0.00297; 1000 Genomes Project 0.00300.
gnomAD v4.1: 645 of 1,612,112 alleles (0.04%); highest among the groups gnomAD compares: South Asian, 0.59%; 7 homozygotes.

Submissions (6):

Labcorp Genetics (formerly Invitae), Labcorp
Classification: Benign. Last evaluated: 2025-10-26. Review status: criteria provided, single submitter. Criteria: Invitae Variant Classification Sherloc (09022015). Collection method: clinical testing. Allele origin: germline.

Blueprint Genetics
Classification: Likely benign. Last evaluated: 2024-10-23. Review status: criteria provided, single submitter. Criteria: ACMG Guidelines, 2015. Collection method: clinical testing. Allele origin: germline.

Eurofins Ntd Llc (ga)
Classification: Benign. Last evaluated: 2015-03-19. Review status: criteria provided, single submitter. Criteria: EGL Classification Definitions 2015. Collection method: clinical testing. Allele origin: germline. Observed: 1 variant allele, 1 heterozygote.

GeneDx
Classification: Benign. Last evaluated: 2013-07-09. Review status: criteria provided, single submitter. Criteria: GeneDx Variant Classification (06012015). Collection method: clinical testing. Allele origin: germline. Affected: yes.
Comment: This variant is considered likely benign or benign based on one or more of the following criteria: it is a conservative change, it occurs at a poorly conserved position in the protein, it is predicted to be benign by multiple in silico algorithms, and/or has population frequency not consistent with disease.

Genome Diagnostics Laboratory, University Medical Center Utrecht
Classification: Likely benign. Review status: no assertion criteria provided. Collection method: clinical testing. Allele origin: germline. Affected: yes. Study: VKGL Data-share Consensus. Not counted in ClinVar's aggregate classification.

Laboratory of Diagnostic Genome Analysis, Leiden University Medical Center (LUMC)
Classification: Likely benign. Review status: no assertion criteria provided. Collection method: clinical testing. Allele origin: germline. Affected: yes. Study: VKGL Data-share Consensus. Not counted in ClinVar's aggregate classification.

NM_000744.7(CHRNA4):c.383+7C>T

Genes: CHRNA4 (cholinergic receptor nicotinic alpha 4 subunit; minus strand), LOC126863087 (P300/CBP strongly-dependent group 1 enhancer GRCh37_chr20:61986832-61988031; plus strand). Cytogenetic location: 20q13.33.
Variant type: single nucleotide variant.
Coding change: c.383+7C>T on transcript NM_000744.7 (MANE Select); 7 bases into the intron after coding-DNA position 383, C replaced by T.
Molecular consequence: intron variant. On other transcripts: 5 prime UTR variant (1).
Genome position (GRCh38, 1-based): chr20:63,355,968, G>A on the plus strand (C>T on the coding strand, the complement: CHRNA4 is on the minus strand). VCF-style: chr20-63355968-G-A. GRCh37 (hg19) VCF-style: chr20-61987320-G-A.
Other names: c.-157C>T (NM_001256573.2).
Identifiers: ClinVar variation 136766 (VCV000136766.19), dbSNP rs200690355, ClinGen allele CA302975.
Genomic context (GRCh38, chr20:63,355,968, plus strand): 5'-GGGCAGGCCCTGGCCACTCCTGCCCACCAAGGCCCTGTAGAGGACTCACTTGTTGTAGAG[G>A]ACTCACTTGTTGTAGAGGACGATGTCCGGCCGCCAGATGAGCTCGGAGGGGATGCGGATG-3'